The following is an entry in ClinVar:

NM_020937.4(FANCM):c.5560G>T (p.Asp1854Tyr)

Gene: FANCM (FA complementation group M; plus strand). Cytogenetic location: 14q21.2.
Variant type: single nucleotide variant.
Coding change: c.5560G>T on transcript NM_020937.4 (MANE Select); coding-DNA position 5560, G replaced by T.
Protein change: p.Asp1854Tyr; replaces aspartic acid 1854 with tyrosine.
Molecular consequence: missense variant.
Genome position (GRCh38, 1-based): chr14:45,196,391, G>T. VCF-style: chr14-45196391-G-T. GRCh37 (hg19) VCF-style: chr14-45665594-G-T.
Other names: c.5482G>T, p.Asp1828Tyr (NM_001308133.2); short protein forms D1828Y, D1854Y.
Identifiers: ClinVar variation 2681932 (VCV002681932.2), dbSNP rs1338635117, ClinGen allele CA389586123.

ClinVar aggregate classification (germline): Uncertain significance. Review status: criteria provided, multiple submitters, no conflicts (2 of 4 stars). 2 submissions from 2 submitters: Uncertain significance (2). Last evaluated 2024-12-15.

Conditions:
Inborn genetic diseases. Identifiers: MedGen C0950123, MeSH D030342.

gnomAD v4.1: 3 of 1,614,130 alleles (0.00019%); highest among the groups gnomAD compares: Admixed American, 0.0017%; no homozygotes.

Submissions (2):

Ambry Genetics
Classification: Uncertain significance for Inborn genetic diseases. Last evaluated: 2024-12-15. Review status: criteria provided, single submitter. Criteria: Ambry Variant Classification Scheme 2023. Collection method: clinical testing. Allele origin: germline.
Comment: The p.D1854Y variant (also known as c.5560G>T), located in coding exon 21 of the FANCM gene, results from a G to T substitution at nucleotide position 5560. The aspartic acid at codon 1854 is replaced by tyrosine, an amino acid with highly dissimilar properties. This amino acid position is conserved. In addition, the in silico prediction for this alteration is inconclusive. Based on the available evidence, the clinical significance of this variant remains unclear.

Quest Diagnostics Nichols Institute San Juan Capistrano
Classification: Uncertain significance. Last evaluated: 2022-12-02. Review status: criteria provided, single submitter. Criteria: Quest Diagnostics criteria. Collection method: clinical testing. Allele origin: unknown.
Comment: This variant has not been reported in the published literature. The frequency of this variant in the general population, 0.000004 (1/251448 chromosomes), is uninformative in assessment of its pathogenicity. Analysis of this variant using bioinformatics tools for the prediction of the effect of amino acid changes on protein structure and function yielded conflicting predictions that this variant is benign or damaging. Based on the available information, we are unable to determine the clinical significance of this variant.